The following is an entry in ClinVar:

NM_001457.4(FLNB):c.4514+1G>A

Gene: FLNB (filamin B; plus strand). Cytogenetic location: 3p14.3.
Variant type: single nucleotide variant.
Coding change: c.4514+1G>A on transcript NM_001457.4 (MANE Select); the canonical splice donor site of the intron after coding-DNA position 4514, G replaced by A.
Molecular consequence: splice donor variant.
Genome position (GRCh38, 1-based): chr3:58,132,932, G>A. VCF-style: chr3-58132932-G-A. GRCh37 (hg19) VCF-style: chr3-58118659-G-A.
Other names: c.4607+1G>A (NM_001164317.2); c.4514+1G>A (NM_001164318.2, NM_001164319.2).
Identifiers: ClinVar variation 2864956 (VCV002864956.3), dbSNP rs2471154855, ClinGen allele CA353351558.

ClinVar aggregate classification (germline): Likely pathogenic (1 of 4 stars; one submission).

Submission:

Labcorp Genetics (formerly Invitae), Labcorp
Classification: Likely pathogenic. Last evaluated: 2023-09-01. Review status: criteria provided, single submitter. Criteria: Invitae Variant Classification Sherloc (09022015). Collection method: clinical testing. Allele origin: germline.
Comment: In summary, the currently available evidence indicates that the variant is pathogenic, but additional data are needed to prove that conclusively. Therefore, this variant has been classified as Likely Pathogenic. Algorithms developed to predict the effect of sequence changes on RNA splicing suggest that this variant may disrupt the consensus splice site. This variant has not been reported in the literature in individuals affected with FLNB-related conditions. This variant is not present in population databases (gnomAD no frequency). This sequence change affects a donor splice site in intron 26 of the FLNB gene. It is expected to disrupt RNA splicing. Variants that disrupt the donor or acceptor splice site typically lead to a loss of protein function (PMID: 16199547), and loss-of-function variants in FLNB are known to be pathogenic (PMID: 14991055).

Literature cited by the submitters: PubMed 16199547; PubMed 14991055.